The following is an entry in ClinVar:

NM_018076.5(ODAD2):c.1886G>A (p.Arg629His)

Gene: ODAD2 (outer dynein arm docking complex subunit 2; minus strand). Cytogenetic location: 10p12.1.
Variant type: single nucleotide variant.
Coding change: c.1886G>A on transcript NM_018076.5 (MANE Select); coding-DNA position 1886, G replaced by A.
Protein change: p.Arg629His; replaces arginine 629 with histidine.
Molecular consequence: missense variant.
Genome position (GRCh38, 1-based): chr10:27,940,663, C>T on the plus strand (G>A on the coding strand, the complement: ODAD2 is on the minus strand). VCF-style: chr10-27940663-C-T. GRCh37 (hg19) VCF-style: chr10-28229592-C-T.
Other names: c.1886G>A, p.Arg629His (NM_001290020.2); c.461G>A, p.Arg154His (NM_001290021.2); c.962G>A, p.Arg321His (NM_001312689.2); short protein forms R629H, R154H, R321H.
Identifiers: ClinVar variation 2563329 (VCV002563329.2), dbSNP rs200127444, ClinGen allele CA5453374.

ClinVar aggregate classification (germline): Uncertain significance (1 of 4 stars; one submission).

Conditions:
Primary ciliary dyskinesia. Also called: Ciliary dyskinesia. Identifiers: Orphanet 244, MedGen C0008780, MONDO:0016575, HP:0012265.

Allele frequency attached by ClinVar (database versions not stated): ExAC 0.00012; 1000 Genomes Project 30x 0.00016.
gnomAD v4.1: 50 of 1,614,110 alleles (0.0031%); highest among the groups gnomAD compares: Admixed American, 0.0067%; 2 homozygotes.

Submission:

Ambry Genetics
Classification: Uncertain significance for Primary ciliary dyskinesia. Last evaluated: 2023-06-07. Review status: criteria provided, single submitter. Criteria: Ambry Variant Classification Scheme 2023. Collection method: clinical testing. Allele origin: germline.
Comment: The p.R629H variant (also known as c.1886G>A), located in coding exon 12 of the ARMC4 gene, results from a G to A substitution at nucleotide position 1886. The arginine at codon 629 is replaced by histidine, an amino acid with highly similar properties. This amino acid position is highly conserved in available vertebrate species. In addition, the in silico prediction for this alteration is inconclusive. Since supporting evidence is limited at this time, the clinical significance of this alteration remains unclear.